The following is an entry in ClinVar:

ClinVar aggregate classification (germline): Conflicting classifications of pathogenicity. Review status: criteria provided, conflicting classifications (1 of 4 stars). 6 submissions from 6 submitters: Uncertain significance (5); Likely benign (1). Last evaluated 2026-01-13.

Conditions:
Hereditary cancer-predisposing syndrome. Also called: Tumor predisposition; Hereditary neoplastic syndrome; Hereditary Cancer Syndrome; Neoplastic Syndromes, Hereditary. Identifiers: Orphanet 140162, MedGen C0027672, MeSH D009386, MONDO:0015356.
Patterned macular dystrophy 2. Identifiers: Orphanet 99001, MedGen C1837029, MONDO:0012162, OMIM 608970.
CTNNA1-related disorder. Also called: CTNNA1-related condition.

Allele frequency attached by ClinVar (database versions not stated): ExAC 0.00001; gnomAD exomes 0.00001; TOPMed 0.00002; gnomAD 0.00003.
gnomAD v4.1: 40 of 1,613,754 alleles (0.0025%); highest among the groups gnomAD compares: Non-Finnish European, 0.0029%; no homozygotes.

Submissions (6):

Labcorp Genetics (formerly Invitae), Labcorp
Classification: Uncertain significance. Last evaluated: 2026-01-13. Review status: criteria provided, single submitter. Criteria: Invitae Variant Classification Sherloc (09022015). Collection method: clinical testing. Allele origin: germline.
Comment: This sequence change replaces asparagine, which is neutral and polar, with aspartic acid, which is acidic and polar, at codon 169 of the CTNNA1 protein (p.Asn169Asp). This variant is present in population databases (rs778667305, gnomAD 0.004%). This missense change has been observed in individual(s) with clinical features of inherited retinal dystrophy (IRD) (internal data). ClinVar contains an entry for this variant (Variation ID: 655825). Invitae Evidence Modeling of protein sequence and biophysical properties (such as structural, functional, and spatial information, amino acid conservation, physicochemical variation, residue mobility, and thermodynamic stability) indicates that this missense variant is not expected to disrupt CTNNA1 protein function with a negative predictive value of 80%. In summary, the available evidence is currently insufficient to determine the role of this variant in disease. Therefore, it has been classified as a Variant of Uncertain Significance.

Center for Genomic Medicine, Rigshospitalet, Copenhagen University Hospital
Classification: Uncertain significance. Last evaluated: 2025-03-04. Review status: criteria provided, single submitter. Criteria: ACMG Guidelines, 2015. Collection method: clinical testing. Allele origin: germline.

Ambry Genetics
Classification: Likely benign for Hereditary cancer-predisposing syndrome. Last evaluated: 2025-02-28. Review status: criteria provided, single submitter. Criteria: Ambry Variant Classification Scheme 2023. Collection method: clinical testing. Allele origin: germline.

PreventionGenetics, part of Exact Sciences
Classification: Uncertain significance for CTNNA1-related condition. Last evaluated: 2024-12-15. Review status: criteria provided, single submitter. Criteria: ACMG Guidelines, 2015. Collection method: clinical testing. Allele origin: germline.
Comment: The CTNNA1 c.505A>G variant is predicted to result in the amino acid substitution p.Asn169Asp. This variant was observed twenty times and reported with uncertain significance, in a study of CTNNA1 variants in individuals with gastric and/or breast cancer, however additional details were not provided for those patients with this variant (Supplemental Table 1, Clark et al. 2020. PubMed ID: 32051609). This variant is reported in 0.0039% of alleles in individuals of European (Non-Finnish) descent in gnomAD and reported as a variant of uncertain significance in ClinVar. At this time, the clinical significance of this variant is uncertain due to the absence of conclusive functional and genetic evidence.

GeneDx
Classification: Uncertain significance. Last evaluated: 2024-10-14. Review status: criteria provided, single submitter. Criteria: GeneDx Variant Classification Process June 2021. Collection method: clinical testing. Allele origin: germline.
Comment: In silico analysis indicates that this missense variant does not alter protein structure/function; Observed in individuals referred for hereditary cancer multi-gene panel testing (PMID: 32051609); This variant is associated with the following publications: (PMID: 32051609)

Baylor Genetics
Classification: Uncertain significance for Patterned macular dystrophy 2. Last evaluated: 2023-07-25. Review status: criteria provided, single submitter. Criteria: ACMG Guidelines, 2015. Collection method: clinical testing. Allele origin: unknown.

Literature cited by the submitters: PubMed 32051609 (cited by Ambry Genetics).

NM_001903.5(CTNNA1):c.505A>G (p.Asn169Asp)

Gene: CTNNA1 (catenin alpha 1; plus strand). Cytogenetic location: 5q31.2.
Variant type: single nucleotide variant.
Coding change: c.505A>G on transcript NM_001903.5 (MANE Select); coding-DNA position 505, A replaced by G.
Protein change: p.Asn169Asp; replaces asparagine 169 with aspartic acid.
Molecular consequence: missense variant.
Genome position (GRCh38, 1-based): chr5:138,812,219, A>G. VCF-style: chr5-138812219-A-G. GRCh37 (hg19) VCF-style: chr5-138147908-A-G.
Other names: c.505A>G (NM_001903.4); c.505A>G, p.Asn169Asp (NM_001290307.3, NM_001323982.2, NM_001323983.1 and 3 more transcripts); c.196A>G, p.Asn66Asp (NM_001290309.3); c.136A>G, p.Asn46Asp (NM_001290310.3); short protein forms N169D, N66D, N46D.
Identifiers: ClinVar variation 655825 (VCV000655825.17), dbSNP rs778667305, ClinGen allele CA3431469.